The following is an entry in ClinVar:

NM_000077.5(CDKN2A):c.32C>T (p.Pro11Leu)

Gene: CDKN2A (cyclin dependent kinase inhibitor 2A; minus strand). Cytogenetic location: 9p21.3.
Variant type: single nucleotide variant.
Coding change: c.32C>T on transcript NM_000077.5; coding-DNA position 32, C replaced by T.
Protein change: p.Pro11Leu; replaces proline 11 with leucine.
Molecular consequence: missense variant (on NM_000077.6). On other transcripts: intron variant (2).
Genome position (GRCh38, 1-based): chr9:21,974,796, G>A on the plus strand (C>T on the coding strand, the complement: CDKN2A is on the minus strand). VCF-style: chr9-21974796-G-A. GRCh37 (hg19) VCF-style: chr9-21974795-G-A.
Other names: c.32C>T, p.Pro11Leu (NM_000077.6, NM_001195132.2, NM_058197.5); c.-3-3588C>T (NM_001363763.2); c.194-3588C>T (NM_058195.4); short protein forms P11L.
Identifiers: ClinVar variation 584734 (VCV000584734.15), dbSNP rs1374664673, ClinGen allele CA373086678.

ClinVar aggregate classification (germline): Conflicting classifications of pathogenicity. Review status: criteria provided, conflicting classifications (1 of 4 stars). 4 submissions from 4 submitters: Uncertain significance (3); Likely benign (1). Last evaluated 2023-09-17.

Conditions:
Familial melanoma. Also called: Hereditary melanoma; Hereditary cutaneous melanoma. Identifiers: Orphanet 618, MedGen C1512419, MONDO:0018961.
Hereditary cancer-predisposing syndrome. Also called: Hereditary neoplastic syndrome; Neoplastic Syndromes, Hereditary; Hereditary Cancer Syndrome; Tumor predisposition. Identifiers: Orphanet 140162, MedGen C0027672, MeSH D009386, MONDO:0015356.
Melanoma-pancreatic cancer syndrome. Identifiers: Orphanet 404560, MedGen C1838547, MONDO:0011713, OMIM 606719. Disease mechanism: loss of function.

Allele frequency attached by ClinVar (database versions not stated): gnomAD exomes below 0.00001 and 0.00001.
gnomAD v4.1: 2 of 1,606,076 alleles (0.00012%); highest among the groups gnomAD compares: Non-Finnish European, 0.000085%; no homozygotes.

Submissions (4):

Labcorp Genetics (formerly Invitae), Labcorp
Classification: Uncertain significance for Familial melanoma. Last evaluated: 2023-09-17. Review status: criteria provided, single submitter. Criteria: Invitae Variant Classification Sherloc (09022015). Collection method: clinical testing. Allele origin: germline.
Comment: In summary, the available evidence is currently insufficient to determine the role of this variant in disease. Therefore, it has been classified as a Variant of Uncertain Significance. Algorithms developed to predict the effect of missense changes on protein structure and function output the following: SIFT: "Not Available"; PolyPhen-2: "Benign"; Align-GVGD: "Not Available". The leucine amino acid residue is found in multiple mammalian species, which suggests that this missense change does not adversely affect protein function. ClinVar contains an entry for this variant (Variation ID: 584734). This variant has not been reported in the literature in individuals affected with CDKN2A (p16INK4a)-related conditions. This variant is present in population databases (no rsID available, gnomAD 0.005%). This sequence change replaces proline, which is neutral and non-polar, with leucine, which is neutral and non-polar, at codon 11 of the CDKN2A (p16INK4a) protein (p.Pro11Leu).

Ambry Genetics
Classification: Likely benign for Hereditary cancer-predisposing syndrome. Last evaluated: 2023-08-10. Review status: criteria provided, single submitter. Criteria: Ambry Variant Classification Scheme 2023. Collection method: clinical testing. Allele origin: germline.

Color Diagnostics, LLC DBA Color Health
Classification: Uncertain significance for Hereditary cancer-predisposing syndrome. Last evaluated: 2020-02-21. Review status: criteria provided, single submitter. Criteria: ACMG Guidelines, 2015. Collection method: clinical testing. Allele origin: germline.
Comment: This missense variant replaces proline with leucine at codon 11 of the CDKN2A (p16INK4A) protein. Computational prediction suggests that this variant may not impact protein structure and function (internally defined REVEL score threshold <= 0.5, PMID: 27666373). Splice site prediction tools suggest that this variant may not impact RNA splicing. To our knowledge, functional studies have not been performed for this variant. This variant has not been reported in individuals affected with hereditary cancer in the literature. This variant has been identified in 2/233804 chromosomes in the general population by the Genome Aggregation Database (gnomAD). The available evidence is insufficient to determine the role of this variant in disease conclusively. Therefore, this variant is classified as a Variant of Uncertain Significance.

Mendelics
Classification: Uncertain significance for Melanoma-pancreatic cancer syndrome. Last evaluated: 2019-05-28. Review status: criteria provided, single submitter. Criteria: Mendelics Assertion Criteria 2017. Collection method: clinical testing. Allele origin: unknown.

Literature cited by the submitters: PubMed 35001868 (cited by Ambry Genetics).